The following is an entry in ClinVar:

ClinVar aggregate classification (germline): Uncertain significance. Review status: criteria provided, single submitter (1 of 4 stars). 2 submissions from 2 submitters: Uncertain significance (1). 1 of the submissions does not count toward it. Last evaluated 2025-04-29.

Allele frequency attached by ClinVar (database versions not stated): gnomAD 0.00001; ExAC 0.00002; gnomAD exomes 0.00002; TOPMed 0.00002; 1000 Genomes Project 0.00020; 1000 Genomes Project 30x 0.00031.
gnomAD v4.1: 17 of 1,613,940 alleles (0.0011%); highest among the groups gnomAD compares: Admixed American, 0.005%; no homozygotes.

Submissions (2):

Labcorp Genetics (formerly Invitae), Labcorp
Classification: Uncertain significance. Last evaluated: 2025-04-29. Review status: criteria provided, single submitter. Criteria: Invitae Variant Classification Sherloc (09022015). Collection method: clinical testing. Allele origin: germline.
Comment: This sequence change replaces alanine, which is neutral and non-polar, with threonine, which is neutral and polar, at codon 221 of the TNFRSF11A protein (p.Ala221Thr). This variant is present in population databases (rs537966416, gnomAD 0.01%). This variant has not been reported in the literature in individuals affected with TNFRSF11A-related conditions. ClinVar contains an entry for this variant (Variation ID: 1049013). Invitae Evidence Modeling of protein sequence and biophysical properties (such as structural, functional, and spatial information, amino acid conservation, physicochemical variation, residue mobility, and thermodynamic stability) indicates that this missense variant is not expected to disrupt TNFRSF11A protein function with a negative predictive value of 80%. In summary, the available evidence is currently insufficient to determine the role of this variant in disease. Therefore, it has been classified as a Variant of Uncertain Significance.

Department of Pathology and Laboratory Medicine, Sinai Health System
Classification: Uncertain significance. Review status: no assertion criteria provided. Collection method: clinical testing. Allele origin: unknown. Affected: yes. Study: The Canadian Open Genetics Repository (COGR). Not counted in ClinVar's aggregate classification.
Comment: The TNFRSF11A p.Ala221Thr variant was not identified in the literature nor was it identified in ClinVar or LOVD 3.0. The variant was identified in dbSNP (ID: rs537966416) and Cosmic (FATHMM prediction: neutral; score=0.00). The variant was also identified in control databases in 5 of 251488 chromosomes at a frequency of 0.00002 (Genome Aggregation Database Feb 27, 2017) and was observed in the following populations: Latino in 3 of 34592 chromosomes (freq: 0.000087), South Asian in 1 of 30616 chromosomes (freq: 0.000033) and European (non-Finnish) in 1 of 113762 chromosomes (freq: 0.000009), while the variant was not observed in the African, Ashkenazi Jewish, East Asian, European (Finnish) and Other populations. The variant occurs outside of the splicing consensus sequence and in silico or computational prediction software programs (SpliceSiteFinder, MaxEntScan, NNSPLICE, GeneSplicer) do not predict a difference in splicing. The p.Ala221 residue is not conserved in mammals and all computational analyses (PolyPhen-2, SIFT, AlignGVGD, BLOSUM, MutationTaster) do not suggest a high likelihood of impact to the protein; however, this information is not predictive enough to rule out pathogenicity. In summary, based on the above information the clinical significance of this variant cannot be determined with certainty at this time. This variant is classified as a variant of uncertain significance.

NM_003839.4(TNFRSF11A):c.661G>A (p.Ala221Thr)

Gene: TNFRSF11A (TNF receptor superfamily member 11a; plus strand). Cytogenetic location: 18q21.33.
Variant type: single nucleotide variant.
Coding change: c.661G>A on transcript NM_003839.4 (MANE Select); coding-DNA position 661, G replaced by A.
Protein change: p.Ala221Thr; replaces alanine 221 with threonine.
Molecular consequence: missense variant. On other transcripts: intron variant (1).
Genome position (GRCh38, 1-based): chr18:62,361,724, G>A. VCF-style: chr18-62361724-G-A. GRCh37 (hg19) VCF-style: chr18-60028957-G-A.
Other names: c.661G>A, p.Ala221Thr (NM_001270949.2, NM_001270950.2); c.619G>A, p.Ala207Thr (NM_001278268.2); c.616+1675G>A (NM_001270951.2); short protein forms A207T, A221T.
Identifiers: ClinVar variation 1049013 (VCV001049013.7), dbSNP rs537966416, ClinGen allele CA8983827.